The following is an entry in ClinVar:

ClinVar aggregate classification (germline): Uncertain significance (1 of 4 stars; one submission).

Allele frequency attached by ClinVar (database versions not stated): gnomAD 0.00001; ExAC 0.00007.
gnomAD v4.1: 32 of 1,614,042 alleles (0.002%); highest among the groups gnomAD compares: South Asian, 0.035%; no homozygotes.

Submission:

Labcorp Genetics (formerly Invitae), Labcorp
Classification: Uncertain significance. Last evaluated: 2022-06-09. Review status: criteria provided, single submitter. Criteria: Invitae Variant Classification Sherloc (09022015). Collection method: clinical testing. Allele origin: germline.
Comment: This sequence change replaces valine, which is neutral and non-polar, with isoleucine, which is neutral and non-polar, at codon 185 of the CD40 protein (p.Val185Ile). This variant is present in population databases (rs773211027, gnomAD 0.03%). This variant has not been reported in the literature in individuals affected with CD40-related conditions. Algorithms developed to predict the effect of missense changes on protein structure and function output the following: SIFT: "Tolerated"; PolyPhen-2: "Benign"; Align-GVGD: "Class C0". The isoleucine amino acid residue is found in multiple mammalian species, which suggests that this missense change does not adversely affect protein function. In summary, the available evidence is currently insufficient to determine the role of this variant in disease. Therefore, it has been classified as a Variant of Uncertain Significance.

NM_001250.6(CD40):c.553G>A (p.Val185Ile)

Gene: CD40 (CD40 molecule; plus strand). Cytogenetic location: 20q13.12.
Variant type: single nucleotide variant.
Coding change: c.553G>A on transcript NM_001250.6 (MANE Select); coding-DNA position 553, G replaced by A.
Protein change: p.Val185Ile; replaces valine 185 with isoleucine.
Molecular consequence: missense variant. On other transcripts: non-coding transcript variant (1), intron variant (2).
Genome position (GRCh38, 1-based): chr20:46,126,695, G>A. VCF-style: chr20-46126695-G-A. GRCh37 (hg19) VCF-style: chr20-44755334-G-A.
Other names: c.553G>A, p.Val185Ile (NM_001302753.2, NM_001322421.2, NM_001362758.2); c.498-1443G>A (NM_152854.4); c.404-1443G>A (NM_001322422.2); short protein forms V185I.
Identifiers: ClinVar variation 1905947 (VCV001905947.2), dbSNP rs773211027, ClinGen allele CA9888510.